The following is an entry in ClinVar:

ClinVar aggregate classification (germline): Benign/Likely benign. Review status: criteria provided, multiple submitters, no conflicts (2 of 4 stars). 9 submissions from 9 submitters: Benign (1); Likely benign (8). Last evaluated 2025-11-25.

Conditions:
Classic or attenuated familial adenomatous polyposis. Identifiers: MedGen CN372698, MONDO:0021057.
Hereditary cancer-predisposing syndrome. Also called: Tumor predisposition; Neoplastic Syndromes, Hereditary; Hereditary neoplastic syndrome; Hereditary Cancer Syndrome. Identifiers: Orphanet 140162, MedGen C0027672, MeSH D009386, MONDO:0015356.
Familial adenomatous polyposis 1 (FAP1). Also called: FAMILIAL ADENOMATOUS POLYPOSIS 1, ATTENUATED; POLYPOSIS, ADENOMATOUS INTESTINAL. Identifiers: MedGen C2713442, MONDO:0021056, OMIM 175100. Disease mechanism: loss of function.

Allele frequency attached by ClinVar (database versions not stated): ExAC 0.00002; gnomAD exomes 0.00002.
gnomAD v4.1: 19 of 1,602,272 alleles (0.0012%); highest among the groups gnomAD compares: Admixed American, 0.0034%; no homozygotes.

Submissions (9):

Labcorp Genetics (formerly Invitae), Labcorp
Classification: Likely benign for Familial adenomatous polyposis 1. Last evaluated: 2025-11-25. Review status: criteria provided, single submitter. Criteria: Invitae Variant Classification Sherloc (09022015). Collection method: clinical testing. Allele origin: germline.

Women's Health and Genetics/Laboratory Corporation of America, LabCorp
Classification: Likely benign. Last evaluated: 2024-12-26. Review status: criteria provided, single submitter. Criteria: LabCorp Variant Classification Summary - May 2015. Collection method: clinical testing. Allele origin: germline.

Myriad Genetics, Inc.
Classification: Benign for Familial adenomatous polyposis 1. Last evaluated: 2024-04-15. Review status: criteria provided, single submitter. Criteria: Myriad Autosomal Dominant, Autosomal Recessive and X-Linked Classification Criteria (2023). Collection method: clinical testing. Allele origin: unknown.
Comment: This variant is considered benign. This variant is a silent/synonymous amino acid change and it is not expected to impact splicing.

Blueprint Genetics
Classification: Likely benign. Last evaluated: 2024-04-13. Review status: criteria provided, single submitter. Criteria: ACMG Guidelines, 2015. Collection method: clinical testing. Allele origin: germline.

All of Us Research Program, National Institutes of Health
Classification: Likely benign for Classic or attenuated familial adenomatous polyposis. Last evaluated: 2023-06-28. Review status: criteria provided, single submitter. Criteria: ACMG Guidelines, 2015. Collection method: clinical testing. Allele origin: germline. Inheritance: Autosomal dominant inheritance. Observed: 3 variant alleles, 3 heterozygotes.
Comment: This study involves interpretation of variants in research participants for the purpose of population health screening. Participant phenotype was not available at the time of variant classification. Additional details can be found in publication PMID: 35346344, PMCID: PMC8962531

Sema4
Classification: Likely benign for Hereditary cancer-predisposing syndrome. Last evaluated: 2020-10-23. Review status: criteria provided, single submitter. Criteria: Sema4 Curation Guidelines. Collection method: curation. Allele origin: germline.

Color Diagnostics, LLC DBA Color Health
Classification: Likely benign for Hereditary cancer-predisposing syndrome. Last evaluated: 2019-08-13. Review status: criteria provided, single submitter. Criteria: ACMG Guidelines, 2015. Collection method: clinical testing. Allele origin: germline.

GeneDx
Classification: Likely benign. Last evaluated: 2018-11-20. Review status: criteria provided, single submitter. Criteria: GeneDx Variant Classification Process June 2021. Collection method: clinical testing. Allele origin: germline. Affected: yes.
Comment: This variant is associated with the following publications: (PMID: 23085758)

Ambry Genetics
Classification: Likely benign for Hereditary cancer-predisposing syndrome. Last evaluated: 2017-05-25. Review status: criteria provided, single submitter. Criteria: Ambry Variant Classification Scheme 2023. Collection method: clinical testing. Allele origin: germline.

NM_000038.6(APC):c.8382C>T (p.Ser2794=)

Gene: APC (APC regulator of Wnt signaling pathway; plus strand). Cytogenetic location: 5q22.2.
Variant type: single nucleotide variant.
Coding change: c.8382C>T on transcript NM_000038.6 (MANE Select); coding-DNA position 8382, C replaced by T.
Protein change: p.Ser2794=; no amino-acid change (serine 2794 retained).
Molecular consequence: synonymous variant.
Genome position (GRCh38, 1-based): chr5:112,843,976, C>T. VCF-style: chr5-112843976-C-T. GRCh37 (hg19) VCF-style: chr5-112179673-C-T.
Other names: c.8382C>T, p.Ser2794= (NM_001127510.3, NM_001354895.2); c.8328C>T, p.Ser2776= (NM_001127511.3); c.8436C>T, p.Ser2812= (NM_001354896.2); c.8412C>T, p.Ser2804= (NM_001354897.2); c.8307C>T, p.Ser2769= (NM_001354898.2); c.8298C>T, p.Ser2766= (NM_001354899.2); c.8259C>T, p.Ser2753= (NM_001354900.2); c.8205C>T, p.Ser2735= (NM_001354901.2); and 5 more.
Identifiers: ClinVar variation 386766 (VCV000386766.24), dbSNP rs762190393, ClinGen allele CA050665.
Genomic context (GRCh38, chr5:112,843,976, plus strand): 5'-TGGGACTGTTGCTGCCAGAGTGACTCCTTTTAATTACAACCCAAGCCCTAGGAAAAGCAG[C>T]GCAGATAGCACTTCAGCTCGGCCATCTCAGATCCCAACTCCAGTGAATAACAACACAAAG-3'
Protein context (NP_000029.2, residues 2784-2804): FNYNPSPRKS[Ser2794=]ADSTSARPSQ